The following is an entry in ClinVar:

NM_000147.5(FUCA1):c.1289_1301del (p.Leu430fs)

Gene: FUCA1 (alpha-L-fucosidase 1; minus strand). Cytogenetic location: 1p36.11.
Variant type: Deletion.
Coding change: c.1289_1301del on transcript NM_000147.5 (MANE Select); coding-DNA positions 1289 to 1301, 13 bases deleted (TGAAGTGGTCCAC).
Protein change: p.Leu430fs; shifts the reading frame from leucine 430.
Molecular consequence: frameshift variant. On other transcripts: non-coding transcript variant (4).
Genome position (GRCh38, 1-based): chr1:23,845,815-23,845,827, GTGGACCACTTCA deleted on the plus strand (TGAAGTGGTCCAC on the coding strand, the reverse complement: FUCA1 is on the minus strand); deleting any 13 consecutive bases within chr1:23,845,815-23,845,828 gives the same sequence; the c. name uses the placement nearest the transcript's 3' end. VCF-style (leftmost placement, unchanged base first): chr1-23845814-TGTGGACCACTTCA-T. GRCh37 (hg19) VCF-style: chr1-24172304-TGTGGACCACTTCA-T.
Other names: c.1289_1301del13 (NM_000147.5); short protein forms L430fs.
Identifiers: ClinVar variation 2445830 (VCV002445830.5), dbSNP rs1334038475, ClinGen allele CA521656640.
Genomic context (GRCh38, chr1:23,845,814, plus strand): 5'-TGCGGGGACAGCAGAGGGTGGCAACTGGGGTAGAGAGATGAAGAGACCTTTATCTGGATC[TGTGGACCACTTCA>T]GATCTCCTTGAATTCCCAGCATTGTTATCTGCAGAAAACAAAAGGGAATGAAACAAACTG-3'

ClinVar aggregate classification (germline): Pathogenic/Likely pathogenic. Review status: criteria provided, multiple submitters, no conflicts (2 of 4 stars). 2 submissions from 2 submitters: Pathogenic (1); Likely pathogenic (1). Last evaluated 2024-09-10.

Conditions:
Fucosidosis. Also called: ALPHA-L-FUCOSIDASE DEFICIENCY. Identifiers: Orphanet 349, MedGen C0016788, MONDO:0009254, OMIM 230000.

Submissions (2):

Women's Health and Genetics/Laboratory Corporation of America, LabCorp
Classification: Likely pathogenic for Fucosidosis. Last evaluated: 2024-09-10. Review status: criteria provided, single submitter. Criteria: LabCorp Variant Classification Summary - May 2015. Collection method: clinical testing. Allele origin: germline.
Comment: Variant summary: FUCA1 c.1289_1301del13 (p.Leu430GlnfsX27) results in a premature termination codon, predicted to cause a truncation of the Alpha-L-fucosidase, C-terminal (IPR031919) domain of the encoded protein, though it is not expected to result in absence of the protein via nonsense mediated decay. While truncations downstream of this position have not been classified as pathogenic by our laboratory or other ClinVar submitters, a nearby downstream truncation (p.Lys431Glnfs*27) was reported in a homozygous patient with fucosidosis identified via whole exome sequencing (PMID 36082656). The variant was absent in 251348 control chromosomes. To our knowledge, no occurrence of c.1289_1301del13 in individuals affected with Fucosidosis and no experimental evidence demonstrating its impact on protein function have been reported. No submitters have provided clinical-significance assessments for this variant to ClinVar after 2014. Based on the evidence outlined above, the variant was classified as likely pathogenic.

Labcorp Genetics (formerly Invitae), Labcorp
Classification: Pathogenic for Fucosidosis. Last evaluated: 2024-01-26. Review status: criteria provided, single submitter. Criteria: Invitae Variant Classification Sherloc (09022015). Collection method: clinical testing. Allele origin: germline.
Comment: This sequence change creates a premature translational stop signal (p.Leu430Glnfs*27) in the FUCA1 gene. While this is not anticipated to result in nonsense mediated decay, it is expected to disrupt the last 37 amino acid(s) of the FUCA1 protein. This variant is present in population databases (no rsID available, gnomAD 0.01%). This variant has not been reported in the literature in individuals affected with FUCA1-related conditions. ClinVar contains an entry for this variant (Variation ID: 2445830). This variant disrupts a region of the FUCA1 protein in which other variant(s) (p.Lys431Glnfs*27) have been determined to be pathogenic (PMID: 36082656). This suggests that this is a clinically significant region of the protein, and that variants that disrupt it are likely to be disease-causing. For these reasons, this variant has been classified as Pathogenic.

Literature cited by the submitters: PubMed 36082656 (cited by Labcorp Genetics (formerly Invitae), Labcorp).